The following is an entry in ClinVar:

ClinVar aggregate classification (germline): Uncertain significance (1 of 4 stars; one submission).

Conditions:
Dyskeratosis congenita. Identifiers: Orphanet 1775, MedGen C0265965, MONDO:0015780.

Submission:

Ambry Genetics
Classification: Uncertain significance for Dyskeratosis congenita. Last evaluated: 2022-05-27. Review status: criteria provided, single submitter. Criteria: Ambry Variant Classification Scheme 2023. Collection method: clinical testing. Allele origin: germline.
Comment: The p.T420N variant (also known as c.1259C>A), located in coding exon 2 of the TERT gene, results from a C to A substitution at nucleotide position 1259. The threonine at codon 420 is replaced by asparagine, an amino acid with similar properties. This amino acid position is conserved. In addition, this alteration is predicted to be tolerated by in silico analysis. Since supporting evidence is limited at this time, the clinical significance of this alteration remains unclear.

NM_198253.3(TERT):c.1259C>A (p.Thr420Asn)

Gene: TERT (telomerase reverse transcriptase; minus strand). Cytogenetic location: 5p15.33.
Variant type: single nucleotide variant.
Coding change: c.1259C>A on transcript NM_198253.3 (MANE Select); coding-DNA position 1259, C replaced by A.
Protein change: p.Thr420Asn; replaces threonine 420 with asparagine.
Molecular consequence: missense variant. On other transcripts: non-coding transcript variant (2).
Genome position (GRCh38, 1-based): chr5:1,293,627, G>T on the plus strand (C>A on the coding strand, the complement: TERT is on the minus strand). VCF-style: chr5-1293627-G-T. GRCh37 (hg19) VCF-style: chr5-1293742-G-T.
Other names: c.1259C>A, p.Thr420Asn (NM_001193376.3, NM_003219.1); short protein forms T420N.
Identifiers: ClinVar variation 1762525 (VCV001762525.2), dbSNP rs2478412403, ClinGen allele CA359086418.
Genomic context (GRCh38, chr5:1,293,627, plus strand): 5'-TCCTCGGGGGCCGCCACAGAGCCCTGGGGCTTCTCCCGGGCACAGACACCGGCTGCTGGG[G>T]TGACCGCAGCTCGCAGCGGGCAGTGCGTCTTGAGGAGCACCCCGTAGGGGCACTGCGCGT-3'
Protein context (NP_937983.2, residues 410-430): KTHCPLRAAV[Thr420Asn]PAAGVCAREK